The following is an entry in ClinVar:

ClinVar aggregate classification (germline): Uncertain significance (1 of 4 stars; one submission).

Conditions:
Lower motor neuron syndrome with late-adult onset (SMAJ). Also called: Spinal muscular atrophy, Jokela type; Late-Onset Spinal Motor Neuronopathy (SMAJ). Identifiers: Orphanet 276435, MedGen C3554398, MONDO:0014025, OMIM 615048.
Frontotemporal dementia and/or amyotrophic lateral sclerosis 2. Also called: FTDALS2. Identifiers: Orphanet 275872, MedGen C4014648, MONDO:0014395, OMIM 615911.
Autosomal dominant mitochondrial myopathy with exercise intolerance (IMMD). Also called: Myopathy, isolated mitochondrial, autosomal dominant. Identifiers: Orphanet 457050, MedGen C4015513, MONDO:0014532, OMIM 616209.

Allele frequency attached by ClinVar (database versions not stated): TOPMed below 0.00001.

Submission:

Labcorp Genetics (formerly Invitae), Labcorp
Classification: Uncertain significance for Lower motor neuron syndrome with late-adult onset; Frontotemporal dementia and/or amyotrophic lateral sclerosis 2; Autosomal dominant mitochondrial myopathy with exercise intolerance. Last evaluated: 2021-03-15. Review status: criteria provided, single submitter. Criteria: Invitae Variant Classification Sherloc (09022015). Collection method: clinical testing. Allele origin: germline.
Comment: The frequency data for this variant in the population databases is considered unreliable, as metrics indicate insufficient coverage at this position in the ExAC database. This sequence change creates a premature translational stop signal (p.Gln95*) in the CHCHD10 gene. It is expected to result in an absent or disrupted protein product. However, the current clinical and genetic evidence is not sufficient to establish whether loss-of-function variants in CHCHD10 cause disease. In summary, the available evidence is currently insufficient to determine the role of this variant in disease. Therefore, it has been classified as a Variant of Uncertain Significance. This variant has not been reported in the literature in individuals with CHCHD10-related conditions.

NM_213720.3(CHCHD10):c.283C>T (p.Gln95Ter)

Gene: CHCHD10 (coiled-coil-helix-coiled-coil-helix domain containing 10; minus strand). Cytogenetic location: 22q11.23.
Variant type: single nucleotide variant.
Coding change: c.283C>T on transcript NM_213720.3 (MANE Select); coding-DNA position 283, C replaced by T.
Protein change: p.Gln95Ter; replaces glutamine 95 with a stop codon.
Molecular consequence: nonsense. On other transcripts: non-coding transcript variant (2).
Genome position (GRCh38, 1-based): chr22:23,766,254, G>A on the plus strand (C>T on the coding strand, the complement: CHCHD10 is on the minus strand). VCF-style: chr22-23766254-G-A. GRCh37 (hg19) VCF-style: chr22-24108441-G-A.
Other names: c.304C>T, p.Gln102Ter (NM_001301339.2); short protein forms Q102*, Q95*.
Identifiers: ClinVar variation 1406577 (VCV001406577.6), dbSNP rs1926798746, ClinGen allele CA410915105.